The following is an entry in ClinVar:

Conditions:
Long QT syndrome 5 (LQT5). Identifiers: Orphanet 101016, Orphanet 768, MedGen C1867904, MONDO:0013372, OMIM 613695.

Submission:

Roden Lab, Vanderbilt University Medical Center
No classification provided (evidence only). Condition: Long QT syndrome 5. Review status: no classification provided. Collection method: in vitro. Allele origin: not applicable. Functional consequence: Effect on ion channel function.
ClinVar note: "not provided" was previously submitted as the classification for the variant. However, the classification appeared to be based only on an observation of functional data so it was converted to no classification on 2025-07-30.

NM_000219.6(KCNE1):c.57G>T (p.Glu19Asp)

Gene: KCNE1 (potassium voltage-gated channel subfamily E regulatory subunit 1; minus strand). Cytogenetic location: 21q22.12.
Variant type: single nucleotide variant.
Coding change: c.57G>T on transcript NM_000219.6 (MANE Select); coding-DNA position 57, G replaced by T.
Protein change: p.Glu19Asp; replaces glutamic acid 19 with aspartic acid.
Molecular consequence: missense variant.
Genome position (GRCh38, 1-based): chr21:34,449,578, C>A on the plus strand (G>T on the coding strand, the complement: KCNE1 is on the minus strand). VCF-style: chr21-34449578-C-A. GRCh37 (hg19) VCF-style: chr21-35821876-C-A.
Other names: c.57G>T, p.Glu19Asp (NM_001127668.4, NM_001127669.4, NM_001127670.4 and 4 more transcripts); short protein forms E19D.
Identifiers: ClinVar variation 3373929 (VCV003373929.2).